The following is an entry in ClinVar:

ClinVar aggregate classification (germline): Uncertain significance (1 of 4 stars; one submission).

Allele frequency attached by ClinVar (database versions not stated): gnomAD 0.00001; 1000 Genomes Project 30x 0.00016; 1000 Genomes Project 0.00020.
gnomAD v4.1: 6 of 1,505,078 alleles (0.0004%); highest among the groups gnomAD compares: South Asian, 0.0062%; no homozygotes.

Submission:

Labcorp Genetics (formerly Invitae), Labcorp
Classification: Uncertain significance. Last evaluated: 2025-12-19. Review status: criteria provided, single submitter. Criteria: Invitae Variant Classification Sherloc (09022015). Collection method: clinical testing. Allele origin: germline.
Comment: This sequence change replaces alanine, which is neutral and non-polar, with serine, which is neutral and polar, at codon 38 of the IMPDH1 protein (p.Ala38Ser). The frequency data for this variant in the population databases is considered unreliable, as metrics indicate poor data quality at this position in the gnomAD database. This variant has not been reported in the literature in individuals affected with IMPDH1-related conditions. ClinVar contains an entry for this variant (Variation ID: 2005897). An algorithm developed to predict the effect of missense changes on protein structure and function (PolyPhen-2) suggests that this variant is likely to be disruptive. In summary, the available evidence is currently insufficient to determine the role of this variant in disease. Therefore, it has been classified as a Variant of Uncertain Significance.

NM_000883.4(IMPDH1):c.112G>T (p.Ala38Ser)

Genes: IMPDH1 (inosine monophosphate dehydrogenase 1; minus strand), LOC129999258 (ATAC-STARR-seq lymphoblastoid silent region 18606; plus strand). Cytogenetic location: 7q32.1.
Variant type: single nucleotide variant.
Coding change: c.112G>T on transcript NM_000883.4 (MANE Select); coding-DNA position 112, G replaced by T.
Protein change: p.Ala38Ser; replaces alanine 38 with serine.
Molecular consequence: missense variant.
Genome position (GRCh38, 1-based): chr7:128,409,790, C>A on the plus strand (G>T on the coding strand, the complement: IMPDH1 is on the minus strand). VCF-style: chr7-128409790-C-A. GRCh37 (hg19) VCF-style: chr7-128049844-C-A.
Other names: c.112G>T, p.Ala38Ser (NM_001102605.2, NM_001142576.2, NM_001304521.2 and 1 more transcripts); short protein forms A38S.
Identifiers: ClinVar variation 2005897 (VCV002005897.4), dbSNP rs573617098, ClinGen allele CA4471279.
Genomic context (GRCh38, chr7:128,409,790, plus strand): 5'-CCCGCGCGCTCTGCCCTGGGCGTCACCTCTCGGGCTCGTAGCCGGCCTGCAGCAGTCGGG[C>A]GCTGTACCGCTGCGCCGCCGTCTCGTGTCCCGGGTGTTGCCGGGCTCCGGGCTCCGGAAC-3'
Protein context (NP_000874.2, residues 28-48): GHETAAQRYS[Ala38Ser]RLLQAGYEPE